The following is an entry in ClinVar:

NM_000146.4(FTL):c.30C>A (p.Ser10=)

Gene: FTL (ferritin light chain; plus strand). Cytogenetic location: 19q13.33.
Variant type: single nucleotide variant.
Coding change: c.30C>A on transcript NM_000146.4 (MANE Select); coding-DNA position 30, C replaced by A.
Protein change: p.Ser10=; no amino-acid change (serine 10 retained).
Molecular consequence: synonymous variant.
Genome position (GRCh38, 1-based): chr19:48,965,537, C>A. VCF-style: chr19-48965537-C-A. GRCh37 (hg19) VCF-style: chr19-49468794-C-A.
Identifiers: ClinVar variation 4281304 (VCV004281304.7).
Genomic context (GRCh38, chr19:48,965,537, plus strand): 5'-TTTGTGGTTAGCTCCTTCTTGCCAACCAACCATGAGCTCCCAGATTCGTCAGAATTATTC[C>A]ACCGACGTGGAGGCAGCCGTCAACAGCCTGGTCAATTTGTACCTGCAGGCCTCCTACACC-3'
Protein context (NP_000137.2, residues 1-20): MSSQIRQNY[Ser10=]TDVEAAVNSL

ClinVar aggregate classification (germline): Likely benign (1 of 4 stars; one submission).

Submission:

CeGaT Center for Human Genetics Tuebingen
Classification: Likely benign. Last evaluated: 2025-10-01. Review status: criteria provided, single submitter. Criteria: CeGaT Center For Human Genetics Tuebingen Variant Classification Criteria Version 2. Collection method: clinical testing. Allele origin: germline. Affected: yes. Observed: 2 variant alleles.
Comment: FTL: PM2:Supporting, BP4, BP7